The following is an entry in ClinVar:

ClinVar aggregate classification (germline): Uncertain significance. Review status: criteria provided, multiple submitters, no conflicts (2 of 4 stars). 2 submissions from 2 submitters: Uncertain significance (2). Last evaluated 2024-05-09.

Conditions:
Hereditary nonpolyposis colorectal neoplasms. Identifiers: MedGen C0009405, MeSH D003123.
Hereditary cancer-predisposing syndrome. Also called: Neoplastic Syndromes, Hereditary; Tumor predisposition; Hereditary neoplastic syndrome; Hereditary Cancer Syndrome. Identifiers: Orphanet 140162, MedGen C0027672, MeSH D009386, MONDO:0015356.

gnomAD v4.1: 2 of 1,610,228 alleles (0.00012%); highest among the groups gnomAD compares: Non-Finnish European, 0.00017%; no homozygotes.

Submissions (2):

Labcorp Genetics (formerly Invitae), Labcorp
Classification: Uncertain significance for Hereditary nonpolyposis colorectal neoplasms. Last evaluated: 2024-05-09. Review status: criteria provided, single submitter. Criteria: Invitae Variant Classification Sherloc (09022015). Collection method: clinical testing. Allele origin: germline.
Comment: This sequence change replaces lysine, which is basic and polar, with asparagine, which is neutral and polar, at codon 1358 of the MSH6 protein (p.Lys1358Asn). This variant is not present in population databases (gnomAD no frequency). This variant has not been reported in the literature in individuals affected with MSH6-related conditions. ClinVar contains an entry for this variant (Variation ID: 824567). Advanced modeling of protein sequence and biophysical properties (such as structural, functional, and spatial information, amino acid conservation, physicochemical variation, residue mobility, and thermodynamic stability) performed at Invitae indicates that this missense variant is not expected to disrupt MSH6 protein function with a negative predictive value of 95%. In summary, the available evidence is currently insufficient to determine the role of this variant in disease. Therefore, it has been classified as a Variant of Uncertain Significance.

Ambry Genetics
Classification: Uncertain significance for Hereditary cancer-predisposing syndrome. Last evaluated: 2019-03-16. Review status: criteria provided, single submitter. Criteria: Ambry Variant Classification Scheme 2023. Collection method: clinical testing. Allele origin: germline.
Comment: The p.K1358N variant (also known as c.4074G>C), located in coding exon 10 of the MSH6 gene, results from a G to C substitution at nucleotide position 4074. The lysine at codon 1358 is replaced by asparagine, an amino acid with similar properties. This amino acid position is poorly conserved in available vertebrate species. In addition, this alteration is predicted to be tolerated by in silico analysis. In addition, the CoDP in silico tool predicts this alteration to have minor impact on molecular function, with a score of 0.004 (Terui H et al. J. Biomed. Sci. 2013 Apr;20:25). Since supporting evidence is limited at this time, the clinical significance of this alteration remains unclear.

NM_000179.3(MSH6):c.4074G>C (p.Lys1358Asn)

Gene: MSH6 (mutS homolog 6; plus strand). Cytogenetic location: 2p16.3.
Variant type: single nucleotide variant.
Coding change: c.4074G>C on transcript NM_000179.3 (MANE Select); coding-DNA position 4074, G replaced by C.
Protein change: p.Lys1358Asn; replaces lysine 1358 with asparagine.
Molecular consequence: missense variant.
Genome position (GRCh38, 1-based): chr2:47,806,851, G>C. VCF-style: chr2-47806851-G-C. GRCh37 (hg19) VCF-style: chr2-48033990-G-C.
Other names: c.3684G>C, p.Lys1228Asn (NM_001281492.2); c.3168G>C, p.Lys1056Asn (NM_001281493.2, NM_001281494.2); short protein forms K1056N, K1358N, K1228N.
Identifiers: ClinVar variation 824567 (VCV000824567.7), dbSNP rs759392159, ClinGen allele CA346761763.